The following is an entry in ClinVar:

ClinVar aggregate classification (germline): Likely pathogenic (1 of 4 stars; one submission).

Submission:

GeneDx
Classification: Likely pathogenic. Last evaluated: 2016-08-23. Review status: criteria provided, single submitter. Criteria: GeneDx Variant Classification (06012015). Collection method: clinical testing. Allele origin: germline. Affected: yes.
Comment: The Q102P variant has been published previously as a de novo occurrence in a patient with severe congenital neutropenia (Kawaguch et al., 2014). It was not observed in approximately 6,400 individuals of European and African American ancestry in the NHLBI Exome Sequencing Project, indicating it is not a common benign variant in these populations. Q102P is a non-conservative amino acid substitution, which is likely to impact secondary protein structure as these residues differ in polarity, charge, size and/or other properties. However, this substitution occurs at a position within the peptidase s1 domain that is not conserved and in silico analysis is inconsistent in its predictions as to whether or not the variant is damaging to the protein structure/function. Missense variants in nearby residues (Q97L/P, F99S, V101M, R103L/P, I104N) have been reported in the Human Gene Mutation Database in association with ELA2-related disorders (Stenson et al., 2014), which supports the functional importance of this region of the protein. Therefore, this variant is likely pathogenic; however, the possibility that it is benign cannot be excluded

NM_001972.4(ELANE):c.305A>C (p.Gln102Pro)

Gene: ELANE (elastase, neutrophil expressed; plus strand). Cytogenetic location: 19p13.3.
Variant type: single nucleotide variant.
Coding change: c.305A>C on transcript NM_001972.4 (MANE Select); coding-DNA position 305, A replaced by C.
Protein change: p.Gln102Pro; replaces glutamine 102 with proline.
Molecular consequence: missense variant.
Genome position (GRCh38, 1-based): chr19:853,342, A>C. VCF-style: chr19-853342-A-C. GRCh37 (hg19) VCF-style: chr19-853342-A-C.
Other names: c.305A>C (LRG_57t1); short protein forms Q102P.
Identifiers: ClinVar variation 432094 (VCV000432094.2), dbSNP rs568474579, ClinGen allele CA402916111.
Genomic context (GRCh38, chr19:853,342, plus strand): 5'-TGGTCCTGGGAGCCCATAACCTCTCGCGGCGGGAGCCCACCCGGCAGGTGTTCGCCGTGC[A>C]GCGCATCTTCGAAAACGGCTACGACCCCGTAAACTTGCTCAACGACATCGTGATTCTCCA-3'
Protein context (NP_001963.1, residues 92-112): REPTRQVFAV[Gln102Pro]RIFENGYDPV